The following is an entry in ClinVar:

NM_002473.6(MYH9):c.5483+4C>G

Gene: MYH9 (myosin heavy chain 9; minus strand). Cytogenetic location: 22q12.3.
Variant type: single nucleotide variant.
Coding change: c.5483+4C>G on transcript NM_002473.6 (MANE Select); 4 bases into the intron after coding-DNA position 5483, C replaced by G.
Molecular consequence: intron variant.
Genome position (GRCh38, 1-based): chr22:36,285,117, G>C on the plus strand (C>G on the coding strand, the complement: MYH9 is on the minus strand). VCF-style: chr22-36285117-G-C. GRCh37 (hg19) VCF-style: chr22-36681163-G-C.
Other names: p.?.
Identifiers: ClinVar variation 44570 (VCV000044570.33), dbSNP rs56327920, ClinGen allele CA134559.
Genomic context (GRCh38, chr22:36,285,117, plus strand): 5'-GACTGCAGGGGGGCCAGAGTTTTTTCCAGGACAGCTGGGGTTGGGCGGGGCCAGGGGCAC[G>C]TACTTGGTCTCGTTGTCCAGCTGCTCCTCCAGCTGTGCAATCTTGGCCTCGAGGGCGGTG-3'

ClinVar aggregate classification (germline): Benign/Likely benign. Review status: criteria provided, multiple submitters, no conflicts (2 of 4 stars). 14 submissions from 13 submitters: Benign (11); Likely benign (1). 2 of the submissions do not count toward it. Last evaluated 2026-02-01.

Conditions:
Kidney disorder. Also called: Nephropathy; Kidney disease; Kidney Diseases; renal disorder; renal disease. Identifiers: MedGen C0022658, MONDO:0005240, HP:0000112.
MYH9-related disorder. Identifiers: MedGen C1854520.
Autosomal dominant nonsyndromic hearing loss 17. Also called: Deafness, autosomal dominant 17; Autosomal dominant nonsyndromic deafness 17. Identifiers: Orphanet 90635, MedGen C1863659, MONDO:0011350, OMIM 603622.

Allele frequency attached by ClinVar (database versions not stated): 1000 Genomes Project 30x 0.00656; 1000 Genomes Project 0.00679; TOPMed 0.01355; ESP Exome Variant Server 0.01538.
gnomAD v4.1: 32,323 of 1,613,594 alleles (2%); highest among the groups gnomAD compares: Non-Finnish European, 2.3%; 387 homozygotes.

Submissions (14):

Labcorp Genetics (formerly Invitae), Labcorp
Classification: Benign. Last evaluated: 2026-02-01. Review status: criteria provided, single submitter. Criteria: Invitae Variant Classification Sherloc (09022015). Collection method: clinical testing. Allele origin: germline.

Blueprint Genetics
Classification: Likely benign. Last evaluated: 2024-11-27. Review status: criteria provided, single submitter. Criteria: ACMG Guidelines, 2015. Collection method: clinical testing. Allele origin: germline.

ARUP Laboratories, Molecular Genetics and Genomics, ARUP Laboratories
Classification: Benign. Last evaluated: 2024-08-12. Review status: criteria provided, single submitter. Criteria: ARUP Molecular Germline Variant Investigation Process 2024. Collection method: clinical testing. Allele origin: germline.

Mayo Clinic Laboratories, Mayo Clinic
Classification: Benign. Last evaluated: 2023-09-26. Review status: criteria provided, single submitter. Criteria: ACMG Guidelines, 2015. Collection method: clinical testing. Allele origin: germline. Observed: 36 variant alleles.
Comment: BS1, BS2, BP4, BP7

Genome Diagnostics Laboratory, The Hospital for Sick Children
Classification: Benign for Kidney disorder. Last evaluated: 2021-11-16. Review status: criteria provided, single submitter. Criteria: ACMG Guidelines, 2015. Collection method: clinical testing. Allele origin: germline.

Athena Diagnostics
Classification: Benign. Last evaluated: 2018-09-20. Review status: criteria provided, single submitter. Criteria: Athena Diagnostics Criteria. Collection method: clinical testing. Allele origin: germline.

Illumina Laboratory Services, Illumina
Classification: Benign for MYH9-related disorder. Last evaluated: 2018-01-13. Review status: criteria provided, single submitter. Criteria: ICSL Variant Classification Criteria 13 December 2019. Collection method: clinical testing. Allele origin: germline.
Comment: This variant was observed in the ICSL laboratory as part of a predisposition screen in an ostensibly healthy population. It had not been previously curated by ICSL or reported in the Human Gene Mutation Database (HGMD: prior to June 1st, 2018), and was therefore a candidate for classification through an automated scoring system. Utilizing variant allele frequency, disease prevalence and penetrance estimates, and inheritance mode, an automated score was calculated to assess if this variant is too frequent to cause the disease. Based on the score and internal cut-off values, a variant classified as benign is not then subjected to further curation. The score for this variant resulted in a classification of benign for this disease.

Illumina Laboratory Services, Illumina
Classification: Benign for Autosomal dominant nonsyndromic hearing loss 17. Last evaluated: 2018-01-13. Review status: criteria provided, single submitter. Criteria: ICSL Variant Classification Criteria 13 December 2019. Collection method: clinical testing. Allele origin: germline.
Comment: the same text as in the submission from Illumina Laboratory Services, Illumina above.

GeneDx
Classification: Benign. Last evaluated: 2017-06-06. Review status: criteria provided, single submitter. Criteria: GeneDx Variant Classification (06012015). Collection method: clinical testing. Allele origin: germline. Affected: yes.
Comment: This variant is considered likely benign or benign based on one or more of the following criteria: it is a conservative change, it occurs at a poorly conserved position in the protein, it is predicted to be benign by multiple in silico algorithms, and/or has population frequency not consistent with disease.

Laboratory for Molecular Medicine, Mass General Brigham Personalized Medicine
Classification: Benign. Last evaluated: 2012-05-07. Review status: criteria provided, single submitter. Criteria: LMM Criteria. Collection method: clinical testing. Allele origin: germline. Observed: 62 variant alleles.
Comment: 5483+4C>G in Intron 38 of MYH9: This variant is not expected to have clinical si gnificance because it has been identified in 2.3% (163/7020) of European America n chromosomes from a broad population by the NHLBI Exome Sequencing Project (dbSNP rs56327920).

Breakthrough Genomics
Classification: Benign. Review status: criteria provided, single submitter. Criteria: ACMG Guidelines, 2015. Collection method: not provided. Allele origin: germline. Inheritance: Autosomal dominant inheritance. Affected: yes.

PreventionGenetics, part of Exact Sciences
Classification: Benign. Review status: criteria provided, single submitter. Criteria: ACMG Guidelines, 2015. Collection method: clinical testing. Allele origin: germline.

Genome Diagnostics Laboratory, University Medical Center Utrecht
Classification: Benign. Review status: no assertion criteria provided. Collection method: clinical testing. Allele origin: germline. Affected: yes. Study: VKGL Data-share Consensus. Not counted in ClinVar's aggregate classification.

Laboratory of Diagnostic Genome Analysis, Leiden University Medical Center (LUMC)
Classification: Benign. Review status: no assertion criteria provided. Collection method: clinical testing. Allele origin: germline. Affected: yes. Study: VKGL Data-share Consensus. Not counted in ClinVar's aggregate classification.